The following is an entry in ClinVar:

ClinVar aggregate classification (germline): Uncertain significance (1 of 4 stars; one submission).

Submission:

Labcorp Genetics (formerly Invitae), Labcorp
Classification: Uncertain significance. Last evaluated: 2024-01-16. Review status: criteria provided, single submitter. Criteria: Invitae Variant Classification Sherloc (09022015). Collection method: clinical testing. Allele origin: germline.
Comment: This sequence change replaces proline, which is neutral and non-polar, with leucine, which is neutral and non-polar, at codon 544 of the ACAN protein (p.Pro544Leu). This variant is present in population databases (no rsID available, gnomAD 0.0008%). This variant has not been reported in the literature in individuals affected with ACAN-related conditions. Experimental studies and prediction algorithms are not available or were not evaluated, and the functional significance of this variant is currently unknown. In summary, the available evidence is currently insufficient to determine the role of this variant in disease. Therefore, it has been classified as a Variant of Uncertain Significance.

NM_001369268.1(ACAN):c.1630_1631delinsTT (p.Pro544Leu)

Gene: ACAN (aggrecan; plus strand). Cytogenetic location: 15q26.1.
Variant type: Indel.
Coding change: c.1630_1631delinsTT on transcript NM_001369268.1 (MANE Select); coding-DNA positions 1630 to 1631, CC replaced by TT.
Protein change: p.Pro544Leu; replaces proline 544 with leucine.
Molecular consequence: missense variant.
Genome position (GRCh38, 1-based): chr15:88,847,936-88,847,937, CC replaced by TT. VCF-style: chr15-88847936-CC-TT. GRCh37 (hg19) VCF-style: chr15-89391167-CC-TT.
Other names: c.1630_1631delinsTT, p.Pro544Leu (NM_001135.4, NM_001411096.1, NM_001411097.1 and 1 more transcripts); short protein forms P544L.
Identifiers: ClinVar variation 2725600 (VCV002725600.3), dbSNP rs2505275814, ClinGen allele CA2697549302.
Genomic context (GRCh38, chr15:88,847,936, plus strand): 5'-AGGCCTTCATCTTCTCCTCCCACTCTCCTTTGCAGATACCCCATTGTGAGCCCCCGGACC[CC>TT]ATGCGTGGGTGACAAGGACAGCAGCCCAGGGGTCAGGACCTATGGCGTGCGCCCATCAAC-3'
Protein context (NP_001356197.1, residues 534-554): VRYPIVSPRT[Pro544Leu]CVGDKDSSPG